The following is an entry in ClinVar:

ClinVar aggregate classification (germline): Uncertain significance (1 of 4 stars; one submission).

Conditions:
Maple syrup urine disease type 1A (MSUD1A). Also called: MSUD type 1A. Identifiers: MedGen C1855369, MONDO:0023691, OMIM 248600.

Submission:

3billion
Classification: Uncertain significance for Maple syrup urine disease type 1A. Last evaluated: 2023-09-04. Review status: criteria provided, single submitter. Criteria: ACMG Guidelines, 2015. Collection method: clinical testing. Allele origin: germline. Affected: yes.
Comment: The variant is not observed in the gnomAD v2.1.1 dataset. Predicted Consequence/Location: Missense variant In silico tool predictions suggest damaging effect of the variant on gene or gene product [REVEL: 0.96 (>=0.6, sensitivity 0.68 and specificity 0.92); 3Cnet: 0.87 (>=0.6, sensitivity 0.72 and precision 0.9)]. Therefore, this variant is classified as VUS according to the recommendation of ACMG/AMP guideline.

NM_183050.4(BCKDHB):c.667G>C (p.Gly223Arg)

Gene: BCKDHB (branched chain keto acid dehydrogenase E1 subunit beta; plus strand). Cytogenetic location: 6q14.1.
Variant type: single nucleotide variant.
Coding change: c.667G>C on transcript NM_183050.4 (MANE Select); coding-DNA position 667, G replaced by C.
Protein change: p.Gly223Arg; replaces glycine 223 with arginine.
Molecular consequence: missense variant. On other transcripts: non-coding transcript variant (4).
Genome position (GRCh38, 1-based): chr6:80,171,315, G>C. VCF-style: chr6-80171315-G-C. GRCh37 (hg19) VCF-style: chr6-80881032-G-C.
Other names: c.667G>C, p.Gly223Arg (NM_000056.5, NM_001424035.1, NM_001424036.1 and 7 more transcripts); c.457G>C, p.Gly153Arg (NM_001318975.1, NM_001424043.1); short protein forms G153R, G223R.
Identifiers: ClinVar variation 3775409 (VCV003775409.1).